The following is an entry in ClinVar:

ClinVar aggregate classification (germline): Uncertain significance (1 of 4 stars; one submission).

Conditions:
Tuberous sclerosis 2 (TSC2). Identifiers: Orphanet 805, MedGen C1860707, MONDO:0013199, OMIM 613254.

Allele frequency attached by ClinVar (database versions not stated): TOPMed below 0.00001; gnomAD exomes below 0.00001.
gnomAD v4.1: 1 of 1,612,838 alleles (0.000062%); highest among the groups gnomAD compares: Non-Finnish European, 0.000085%; no homozygotes.

Submission:

Labcorp Genetics (formerly Invitae), Labcorp
Classification: Uncertain significance for Tuberous sclerosis 2. Last evaluated: 2025-06-15. Review status: criteria provided, single submitter. Criteria: Invitae Variant Classification Sherloc (09022015). Collection method: clinical testing. Allele origin: germline.
Comment: This sequence change falls in intron 27 of the TSC2 gene. It does not directly change the encoded amino acid sequence of the TSC2 protein. It affects a nucleotide within the consensus splice site. This variant is not present in population databases (gnomAD no frequency). This variant has not been reported in the literature in individuals affected with TSC2-related conditions. ClinVar contains an entry for this variant (Variation ID: 1378627). Variants that disrupt the consensus splice site are a relatively common cause of aberrant splicing (PMID: 17576681, 9536098). Algorithms developed to predict the effect of sequence changes on RNA splicing suggest that this variant is not likely to affect RNA splicing. In summary, the available evidence is currently insufficient to determine the role of this variant in disease. Therefore, it has been classified as a Variant of Uncertain Significance.

Literature cited by the submitters: PubMed 17576681; PubMed 9536098.

NM_000548.5(TSC2):c.3131+5A>C

Gene: TSC2 (TSC complex subunit 2; plus strand). Cytogenetic location: 16p13.3.
Variant type: single nucleotide variant.
Coding change: c.3131+5A>C on transcript NM_000548.5 (MANE Select); 5 bases into the intron after coding-DNA position 3131, A replaced by C.
Molecular consequence: intron variant.
Genome position (GRCh38, 1-based): chr16:2,079,201, A>C. VCF-style: chr16-2079201-A-C. GRCh37 (hg19) VCF-style: chr16-2129202-A-C.
Other names: c.3131+5A>C (NM_001114382.3); c.3002+5A>C (NM_021055.3, NM_001370405.1, NM_001363528.2); c.2999+5A>C (NM_001370404.1, NM_001077183.3); c.2891+5A>C (NM_001318827.2); c.2399+5A>C (NM_001318831.2); c.2855+5A>C (NM_001318829.2); c.3032+5A>C (NM_001318832.2).
Identifiers: ClinVar variation 1378627 (VCV001378627.6), dbSNP rs1843069967, ClinGen allele CA2202028139.